The following is an entry in ClinVar:

ClinVar aggregate classification (germline): Uncertain significance. Review status: criteria provided, multiple submitters, no conflicts (2 of 4 stars). 3 submissions from 3 submitters: Uncertain significance (3). Last evaluated 2024-09-30.

Conditions:
Breast-ovarian cancer, familial, susceptibility to, 3. Also called: RAD51C-Related Breast/Ovarian Cancer. Identifiers: Orphanet 145, MedGen C3150659, MONDO:0013253, OMIM 613399.
Fanconi anemia complementation group O. Also called: RAD51C-Related Fanconi Anemia. Identifiers: Orphanet 84, MedGen C3150653, MONDO:0013248, OMIM 613390.
Hereditary cancer-predisposing syndrome. Also called: Hereditary neoplastic syndrome; Tumor predisposition; Neoplastic Syndromes, Hereditary; Hereditary Cancer Syndrome. Identifiers: Orphanet 140162, MedGen C0027672, MeSH D009386, MONDO:0015356.

Allele frequency attached by ClinVar (database versions not stated): gnomAD exomes below 0.00001.
gnomAD v4.1: 2 of 1,611,848 alleles (0.00012%); highest among the groups gnomAD compares: East Asian, 0.0045%; no homozygotes.

Submissions (3):

Labcorp Genetics (formerly Invitae), Labcorp
Classification: Uncertain significance for Fanconi anemia complementation group O. Last evaluated: 2024-09-30. Review status: criteria provided, single submitter. Criteria: Invitae Variant Classification Sherloc (09022015). Collection method: clinical testing. Allele origin: germline.
Comment: This sequence change replaces leucine, which is neutral and non-polar, with proline, which is neutral and non-polar, at codon 225 of the RAD51C protein (p.Leu225Pro). This variant is not present in population databases (gnomAD no frequency). This variant has not been reported in the literature in individuals affected with RAD51C-related conditions. ClinVar contains an entry for this variant (Variation ID: 962088). Invitae Evidence Modeling of protein sequence and biophysical properties (such as structural, functional, and spatial information, amino acid conservation, physicochemical variation, residue mobility, and thermodynamic stability) indicates that this missense variant is expected to disrupt RAD51C protein function with a positive predictive value of 80%. In summary, the available evidence is currently insufficient to determine the role of this variant in disease. Therefore, it has been classified as a Variant of Uncertain Significance.

Ambry Genetics
Classification: Uncertain significance for Hereditary cancer-predisposing syndrome. Last evaluated: 2024-01-05. Review status: criteria provided, single submitter. Criteria: Ambry Variant Classification Scheme 2023. Collection method: clinical testing. Allele origin: germline.
Comment: The p.L225P variant (also known as c.674T>C), located in coding exon 4 of the RAD51C gene, results from a T to C substitution at nucleotide position 674. The leucine at codon 225 is replaced by proline, an amino acid with similar properties. This amino acid position is highly conserved in available vertebrate species. In addition, this alteration is predicted to be deleterious by in silico analysis. Since supporting evidence is limited at this time, the clinical significance of this alteration remains unclear.

Fulgent Genetics
Classification: Uncertain significance for Fanconi anemia complementation group O; Breast-ovarian cancer, familial, susceptibility to, 3. Last evaluated: 2021-07-20. Review status: criteria provided, single submitter. Criteria: ACMG Guidelines, 2015. Collection method: clinical testing. Allele origin: unknown.

NM_058216.3(RAD51C):c.674T>C (p.Leu225Pro)

Genes: RAD51C (RAD51 paralog C; plus strand), LOC129390903 (MPRA-validated peak2919 silencer; plus strand). Cytogenetic location: 17q22.
Variant type: single nucleotide variant.
Coding change: c.674T>C on transcript NM_058216.3 (MANE Select); coding-DNA position 674, T replaced by C.
Protein change: p.Leu225Pro; replaces leucine 225 with proline.
Molecular consequence: missense variant. On other transcripts: non-coding transcript variant (1).
Genome position (GRCh38, 1-based): chr17:58,703,298, T>C. VCF-style: chr17-58703298-T-C. GRCh37 (hg19) VCF-style: chr17-56780659-T-C.
Other names: c.674T>C (NM_058216.1); short protein forms L225P.
Identifiers: ClinVar variation 962088 (VCV000962088.12), dbSNP rs1032681872, ClinGen allele CA292054772.